The following is an entry in ClinVar:

ClinVar aggregate classification (germline): Uncertain significance (1 of 4 stars; one submission).

Conditions:
Danon disease. Also called: Glycogen Storage Disease Type IIb; PSEUDOGLYCOGENOSIS II; GSD IIb; LYSOSOMAL GLYCOGEN STORAGE DISEASE WITHOUT ACID MALTASE DEFICIENCY; ANTOPOL DISEASE. Identifiers: Orphanet 34587, MedGen C0878677, MONDO:0010281, OMIM 300257.

Allele frequency attached by ClinVar (database versions not stated): gnomAD exomes below 0.00001 and 0.00001.
gnomAD v4.1: 3 of 1,043,284 alleles (0.00029%); highest among the groups gnomAD compares: Admixed American, 0.0023%; no homozygotes.

Submission:

Labcorp Genetics (formerly Invitae), Labcorp
Classification: Uncertain significance for Danon disease. Last evaluated: 2025-04-15. Review status: criteria provided, single submitter. Criteria: Invitae Variant Classification Sherloc (09022015). Collection method: clinical testing. Allele origin: germline.
Comment: This sequence change replaces threonine, which is neutral and polar, with alanine, which is neutral and non-polar, at codon 60 of the LAMP2 protein (p.Thr60Ala). The frequency data for this variant in the population databases is considered unreliable, as metrics indicate poor data quality at this position in the gnomAD database. This variant has not been reported in the literature in individuals affected with LAMP2-related conditions. ClinVar contains an entry for this variant (Variation ID: 1460992). Invitae Evidence Modeling of protein sequence and biophysical properties (such as structural, functional, and spatial information, amino acid conservation, physicochemical variation, residue mobility, and thermodynamic stability) indicates that this missense variant is not expected to disrupt LAMP2 protein function with a negative predictive value of 80%. In summary, the available evidence is currently insufficient to determine the role of this variant in disease. Therefore, it has been classified as a Variant of Uncertain Significance.

NM_002294.3(LAMP2):c.178A>G (p.Thr60Ala)

Gene: LAMP2 (lysosome associated membrane protein 2; minus strand). Cytogenetic location: Xq24.
Variant type: single nucleotide variant.
Coding change: c.178A>G on transcript NM_002294.3 (MANE Select); coding-DNA position 178, A replaced by G.
Protein change: p.Thr60Ala; replaces threonine 60 with alanine.
Molecular consequence: missense variant.
Genome position (GRCh38, 1-based): chrX:120,456,656, T>C on the plus strand (A>G on the coding strand, the complement: LAMP2 is on the minus strand). VCF-style: chrX-120456656-T-C. GRCh37 (hg19) VCF-style: chrX-119590511-T-C.
Other names: c.178A>G, p.Thr60Ala (NM_001122606.1, NM_013995.2); short protein forms T60A.
Identifiers: ClinVar variation 1460992 (VCV001460992.4), dbSNP rs1207512652, ClinGen allele CA414403559.